The following is an entry in ClinVar:

ClinVar aggregate classification (germline): Uncertain significance. Review status: criteria provided, multiple submitters, no conflicts (2 of 4 stars). 3 submissions from 3 submitters: Uncertain significance (3). Last evaluated 2025-07-02.

Conditions:
Inborn genetic diseases. Identifiers: MedGen C0950123, MeSH D030342.
CEP290-related disorder. Also called: CEP290-related condition; CEP290-related disorders. Identifiers: MedGen CN239314.
Joubert syndrome. Also called: Familial aplasia of the vermis; JOUBERT-BOLTSHAUSER SYNDROME. Identifiers: Orphanet 475, MedGen C5979921, MONDO:0018772.
Nephronophthisis. Also called: Juvenile Nephronophthisis. Identifiers: Orphanet 655, MedGen C0687120, MONDO:0019005, HP:0000090.
Meckel-Gruber syndrome. Also called: Dysencephalia splachnocystica; GRUBER SYNDROME; DYSENCEPHALIA SPLANCHNOCYSTICA. Identifiers: Orphanet 564, MedGen C0265215, MONDO:0018921.

Allele frequency attached by ClinVar (database versions not stated): gnomAD 0.00001; gnomAD exomes 0.00001; TOPMed 0.00002; ESP Exome Variant Server 0.00009.
gnomAD v4.1: 14 of 1,070,782 alleles (0.0013%); highest among the groups gnomAD compares: African/African-American, 0.0033%; no homozygotes.

Submissions (3):

Ambry Genetics
Classification: Uncertain significance for Inborn genetic diseases. Last evaluated: 2025-07-02. Review status: criteria provided, single submitter. Criteria: Ambry Variant Classification Scheme 2023. Collection method: clinical testing. Allele origin: germline.

PreventionGenetics, part of Exact Sciences
Classification: Uncertain significance for CEP290-related condition. Last evaluated: 2025-03-18. Review status: criteria provided, single submitter. Criteria: ACMG Guidelines, 2015. Collection method: clinical testing. Allele origin: germline.
Comment: The CEP290 c.1150A>G variant is predicted to result in the amino acid substitution p.Ile384Val. To our knowledge, this variant has not been reported in the literature. This variant is reported in 0.0088% of alleles in individuals of African descent in gnomAD. At this time, the clinical significance of this variant is uncertain due to the absence of conclusive functional and genetic evidence.

Labcorp Genetics (formerly Invitae), Labcorp
Classification: Uncertain significance for Joubert syndrome; Meckel-Gruber syndrome; Nephronophthisis. Last evaluated: 2022-06-13. Review status: criteria provided, single submitter. Criteria: Invitae Variant Classification Sherloc (09022015). Collection method: clinical testing. Allele origin: germline.
Comment: This sequence change replaces isoleucine, which is neutral and non-polar, with valine, which is neutral and non-polar, at codon 384 of the CEP290 protein (p.Ile384Val). This variant is present in population databases (rs375428355, gnomAD 0.009%). This variant has not been reported in the literature in individuals affected with CEP290-related conditions. Algorithms developed to predict the effect of missense changes on protein structure and function output the following: SIFT: "Tolerated"; PolyPhen-2: "Benign"; Align-GVGD: "Class C0". The valine amino acid residue is found in multiple mammalian species, which suggests that this missense change does not adversely affect protein function. In summary, the available evidence is currently insufficient to determine the role of this variant in disease. Therefore, it has been classified as a Variant of Uncertain Significance.

NM_025114.4(CEP290):c.1150A>G (p.Ile384Val)

Gene: CEP290 (centrosomal protein 290; minus strand). Cytogenetic location: 12q21.32.
Variant type: single nucleotide variant.
Coding change: c.1150A>G on transcript NM_025114.4 (MANE Select); coding-DNA position 1150, A replaced by G.
Protein change: p.Ile384Val; replaces isoleucine 384 with valine.
Molecular consequence: missense variant.
Genome position (GRCh38, 1-based): chr12:88,125,285, T>C on the plus strand (A>G on the coding strand, the complement: CEP290 is on the minus strand). VCF-style: chr12-88125285-T-C. GRCh37 (hg19) VCF-style: chr12-88519062-T-C.
Other names: c.1150A>G (NM_025114.3); short protein forms I384V.
Identifiers: ClinVar variation 1377318 (VCV001377318.7), dbSNP rs375428355, ClinGen allele CA6712620.